The following is an entry in ClinVar:

ClinVar aggregate classification (germline): Benign. Review status: criteria provided, single submitter (1 of 4 stars). 2 submissions from 2 submitters: Benign (1). 1 of the submissions does not count toward it. Last evaluated 2019-12-31.

Conditions:
PTPRD-related disorder. Also called: PTPRD-related condition.

Allele frequency attached by ClinVar (database versions not stated): 1000 Genomes Project 30x 0.00016; 1000 Genomes Project 0.00020; TOPMed 0.00081; gnomAD 0.00095 and 0.00096; ESP Exome Variant Server 0.00123; gnomAD exomes 0.00143 and 0.00146; ExAC 0.00186.
gnomAD v4.1: 2,230 of 1,613,986 alleles (0.14%); highest among the groups gnomAD compares: Non-Finnish European, 0.17%; 2 homozygotes.

Submissions (2):

Labcorp Genetics (formerly Invitae), Labcorp
Classification: Benign. Last evaluated: 2019-12-31. Review status: criteria provided, single submitter. Criteria: Invitae Variant Classification Sherloc (09022015). Collection method: clinical testing. Allele origin: germline.

PreventionGenetics, part of Exact Sciences
Classification: Likely benign for PTPRD-related condition. Last evaluated: 2019-03-08. Review status: no assertion criteria provided. Collection method: clinical testing. Allele origin: germline. Not counted in ClinVar's aggregate classification.
Comment: This variant is classified as likely benign based on ACMG/AMP sequence variant interpretation guidelines (Richards et al. 2015 PMID: 25741868, with internal and published modifications).

NM_002839.4(PTPRD):c.1614T>C (p.Pro538=)

Gene: PTPRD (protein tyrosine phosphatase receptor type D; minus strand). Cytogenetic location: 9p24.1.
Variant type: single nucleotide variant.
Coding change: c.1614T>C on transcript NM_002839.4 (MANE Select); coding-DNA position 1614, T replaced by C.
Protein change: p.Pro538=; no amino-acid change (proline 538 retained).
Molecular consequence: synonymous variant.
Genome position (GRCh38, 1-based): chr9:8,507,364, A>G on the plus strand (T>C on the coding strand, the complement: PTPRD is on the minus strand). VCF-style: chr9-8507364-A-G. GRCh37 (hg19) VCF-style: chr9-8507364-A-G.
Other names: c.1605T>C, p.Pro535= (NM_001040712.2, NM_001377947.1); c.1584T>C, p.Pro528= (NM_001171025.2); c.1596T>C, p.Pro532= (NM_001377946.1, NM_130393.3); c.1614T>C, p.Pro538= (NM_001377958.1, NM_001378058.1, NM_130391.4 and 1 more transcripts).
Identifiers: ClinVar variation 709771 (VCV000709771.6), dbSNP rs147878183, ClinGen allele CA4984480.
Genomic context (GRCh38, chr9:8,507,364, plus strand): 5'-CTCTCCATGCTCCCCATCTTTGTAGACCAGTTCATAGTTGGCAATGGTATCTGAACGTGG[A>G]GGTGTCCAAGAGAGCAAAATACTTGTTTCAGACTCAGGTTCTGCTTTGAAGTTTAGTGGC-3'
Protein context (NP_002830.1, residues 528-548): SETSILLSWT[Pro538=]PRSDTIANYE